The following is an entry in ClinVar:

NM_001009944.3(PKD1):c.3462del (p.Gly1156fs)

Gene: PKD1 (polycystin 1, transient receptor potential channel interacting; minus strand). Cytogenetic location: 16p13.3.
Variant type: Deletion.
Coding change: c.3462del on transcript NM_001009944.3 (MANE Select); coding-DNA position 3462, one base deleted (T; older notation c.3462delT).
Protein change: p.Gly1156fs; shifts the reading frame from glycine 1156.
Molecular consequence: frameshift variant.
Genome position (GRCh38, 1-based): chr16:2,111,705, A deleted on the plus strand (T on the coding strand, the reverse complement: PKD1 is on the minus strand). VCF-style (leftmost placement, unchanged base first): chr16-2111704-CA-C. GRCh37 (hg19) VCF-style: chr16-2161705-CA-C.
Other names: c.3462delT (NM_001009944.3); c.3462del, p.Gly1156fs (NM_000296.4); short protein forms G1156fs.
Identifiers: ClinVar variation 3902134 (VCV003902134.1).

ClinVar aggregate classification (germline): Pathogenic (1 of 4 stars; one submission).

Conditions:
Polycystic kidney disease, adult type (PKD1). Also called: Polycystic Kidney Disease 1, Autosomal Dominant; Polycystic kidney disease 1; Polycystic kidney disease 1, severe; Polycystic Kidney, Autosomal Dominant; POLYCYSTIC KIDNEY DISEASE 1 WITH OR WITHOUT POLYCYSTIC LIVER DISEASE; POLYCYSTIC KIDNEY DISEASE, ADULT, TYPE I. Identifiers: MedGen C3149841, MONDO:0008263, OMIM 173900.

Submission:

Women's Health and Genetics/Laboratory Corporation of America, LabCorp
Classification: Pathogenic for Polycystic kidney disease, adult type. Last evaluated: 2025-05-19. Review status: criteria provided, single submitter. Criteria: LabCorp Variant Classification Summary - May 2015. Collection method: clinical testing. Allele origin: germline.
Comment: Variant summary: PKD1 c.3462delT (p.Gly1156ValfsX15) results in a premature termination codon, predicted to cause a truncation of the encoded protein or absence of the protein due to nonsense mediated decay, which are commonly known mechanisms for disease. The frequency data for this variant in gnomAD is considered unreliable, as metrics indicate poor data quality at this position. To our knowledge, no occurrence of c.3462delT in individuals affected with Polycystic Kidney Disease 1 and no experimental evidence demonstrating its impact on protein function have been reported. No submitters have cited clinical-significance assessments for this variant to ClinVar. Based on the evidence outlined above, the variant was classified as pathogenic.